The following is an entry in ClinVar:

ClinVar aggregate classification (germline): Benign/Likely benign. Review status: criteria provided, multiple submitters, no conflicts (2 of 4 stars). 3 submissions from 3 submitters: Benign (1); Likely benign (2). Last evaluated 2025-05-05.

Conditions:
Hereditary cancer-predisposing syndrome. Also called: Neoplastic Syndromes, Hereditary; Tumor predisposition; Hereditary Cancer Syndrome; Hereditary neoplastic syndrome. Identifiers: Orphanet 140162, MedGen C0027672, MeSH D009386, MONDO:0015356.
Multiple endocrine neoplasia type 2A. Also called: MULTIPLE ENDOCRINE NEOPLASIA, TYPE IIA; PTC SYNDROME; SIPPLE SYNDROME; MEN 2A; MEN-2A syndrome; Pheochromocytoma and amyloid producing medullary thyroid carcinoma. Identifiers: Orphanet 247698, Orphanet 653, MedGen C0025268, MeSH D018813, MONDO:0008234, OMIM 171400.
Multiple endocrine neoplasia, type 2 (MEN2). Identifiers: Orphanet 653, MedGen C4048306, MONDO:0019003. Disease mechanism: gain of function.

Allele frequency attached by ClinVar (database versions not stated): gnomAD exomes below 0.00001 and 0.00001; ExAC 0.00001; gnomAD 0.00001.
gnomAD v4.1: 4 of 1,608,910 alleles (0.00025%); highest among the groups gnomAD compares: Non-Finnish European, 0.00034%; no homozygotes.

Submissions (3):

Labcorp Genetics (formerly Invitae), Labcorp
Classification: Likely benign for Multiple endocrine neoplasia, type 2. Last evaluated: 2025-05-05. Review status: criteria provided, single submitter. Criteria: Invitae Variant Classification Sherloc (09022015). Collection method: clinical testing. Allele origin: germline.

Myriad Genetics, Inc.
Classification: Benign for Multiple endocrine neoplasia type 2A. Last evaluated: 2025-02-26. Review status: criteria provided, single submitter. Criteria: Myriad Autosomal Dominant, Autosomal Recessive and X-Linked Classification Criteria (2023). Collection method: clinical testing. Allele origin: unknown.
Comment: This variant is considered benign. This variant is a silent/synonymous amino acid change and it is not expected to impact splicing.

Ambry Genetics
Classification: Likely benign for Hereditary cancer-predisposing syndrome. Last evaluated: 2018-04-17. Review status: criteria provided, single submitter. Criteria: Ambry Variant Classification Scheme 2023. Collection method: clinical testing. Allele origin: germline.

NM_020975.6(RET):c.1773T>C (p.Val591=)

Gene: RET (ret proto-oncogene; plus strand). Cytogenetic location: 10q11.21.
Variant type: single nucleotide variant.
Coding change: c.1773T>C on transcript NM_020975.6 (MANE Select); coding-DNA position 1773, T replaced by C.
Protein change: p.Val591=; no amino-acid change (valine 591 retained).
Molecular consequence: synonymous variant. On other transcripts: intron variant (2).
Genome position (GRCh38, 1-based): chr10:43,113,569, T>C. VCF-style: chr10-43113569-T-C. GRCh37 (hg19) VCF-style: chr10-43609017-T-C.
Other names: c.1773T>C, p.Val591= (NM_000323.2, NM_001406743.1, NM_001406744.1 and 6 more transcripts); c.1011T>C, p.Val337= (NM_001355216.2); c.1644T>C, p.Val548= (NM_001406761.1, NM_001406762.1, NM_001406764.1 and 1 more transcripts); c.1485T>C, p.Val495= (NM_001406766.1, NM_001406767.1, NM_001406770.1); c.1377T>C, p.Val459= (NM_001406769.1, NM_001406772.1); c.1335T>C, p.Val445= (NM_001406771.1, NM_001406773.1); c.1248T>C, p.Val416= (NM_001406774.1); c.1047T>C, p.Val349= (NM_001406775.1, NM_001406776.1, NM_001406777.1 and 1 more transcripts); and 7 more.
Identifiers: ClinVar variation 820034 (VCV000820034.15), dbSNP rs756902570, ClinGen allele CA035617.